The following is an entry in ClinVar:

NM_005618.4(DLL1):c.1741G>A (p.Asp581Asn)

Gene: DLL1 (delta like canonical Notch ligand 1; minus strand). Cytogenetic location: 6q27.
Variant type: single nucleotide variant.
Coding change: c.1741G>A on transcript NM_005618.4 (MANE Select); coding-DNA position 1741, G replaced by A.
Protein change: p.Asp581Asn; replaces aspartic acid 581 with asparagine.
Molecular consequence: missense variant.
Genome position (GRCh38, 1-based): chr6:170,283,538, C>T on the plus strand (G>A on the coding strand, the complement: DLL1 is on the minus strand). VCF-style: chr6-170283538-C-T. GRCh37 (hg19) VCF-style: chr6-170592626-C-T.
Other names: short protein forms D581N.
Identifiers: ClinVar variation 1936936 (VCV001936936.6), dbSNP rs760667823, ClinGen allele CA4106741.
Genomic context (GRCh38, chr6:170,283,538, plus strand): 5'-CCTTCTCACGCTGGCAGTTGGCCAGGTTGTTCATGGTCTCCGTCTCCCCCCGGCAGGGGT[C>T]GGCTGGGGGCCGGTGCTTCTGCAGCCTCAGCCGGACGCAGACCACCACAGCGGCACAGCC-3'
Protein context (NP_005609.3, residues 571-591): LRLQKHRPPA[Asp581Asn]PCRGETETMN

ClinVar aggregate classification (germline): Conflicting classifications of pathogenicity. Review status: criteria provided, conflicting classifications (1 of 4 stars). 2 submissions from 2 submitters: Uncertain significance (1); Likely benign (1). Last evaluated 2026-09-01.

Allele frequency attached by ClinVar (database versions not stated): gnomAD exomes 0.00002; gnomAD 0.00003; TOPMed 0.00003; ExAC 0.00004.

Submissions (2):

CeGaT Center for Human Genetics Tuebingen
Classification: Likely benign. Last evaluated: 2026-09-01. Review status: criteria provided, single submitter. Criteria: CeGaT Center For Human Genetics Tuebingen Variant Classification Criteria Version 2. Collection method: clinical testing. Allele origin: germline. Affected: yes. Observed: 1 variant allele.
Comment: DLL1: BP4, BS2

Labcorp Genetics (formerly Invitae), Labcorp
Classification: Uncertain significance. Last evaluated: 2025-05-05. Review status: criteria provided, single submitter. Criteria: Invitae Variant Classification Sherloc (09022015). Collection method: clinical testing. Allele origin: germline.
Comment: This sequence change replaces aspartic acid, which is acidic and polar, with asparagine, which is neutral and polar, at codon 581 of the DLL1 protein (p.Asp581Asn). This variant is present in population databases (rs760667823, gnomAD 0.03%). This variant has not been reported in the literature in individuals affected with DLL1-related conditions. ClinVar contains an entry for this variant (Variation ID: 1936936). An algorithm developed to predict the effect of missense changes on protein structure and function (PolyPhen-2) suggests that this variant is likely to be disruptive. In summary, the available evidence is currently insufficient to determine the role of this variant in disease. Therefore, it has been classified as a Variant of Uncertain Significance.